The following is an entry in ClinVar:

ClinVar aggregate classification (germline): Uncertain significance (1 of 4 stars; one submission).

Submission:

ARUP Laboratories, Molecular Genetics and Genomics, ARUP Laboratories
Classification: Uncertain significance. Last evaluated: 2024-12-20. Review status: criteria provided, single submitter. Criteria: ARUP Molecular Germline Variant Investigation Process 2024. Collection method: clinical testing. Allele origin: germline.
Comment: The POR c.1100C>T; p.Pro367Leu variant (rs1237849921), to our knowledge, is not reported in the medical literature or gene specific databases. This variant is also absent from the Genome Aggregation Database (v2.1.1), indicating it is not a common polymorphism. Computational analyses predict that this variant is deleterious (REVEL: 0.796). However, given the lack of clinical and functional data, the significance of this variant is uncertain at this time.

NM_001395413.1(POR):c.1091C>T (p.Pro364Leu)

Gene: POR (cytochrome p450 oxidoreductase; plus strand). Cytogenetic location: 7q11.23.
Variant type: single nucleotide variant.
Coding change: c.1091C>T on transcript NM_001395413.1 (MANE Select); coding-DNA position 1091, C replaced by T.
Protein change: p.Pro364Leu; replaces proline 364 with leucine.
Molecular consequence: missense variant.
Genome position (GRCh38, 1-based): chr7:75,984,810, C>T. VCF-style: chr7-75984810-C-T. GRCh37 (hg19) VCF-style: chr7-75614128-C-T.
Other names: c.1091C>T, p.Pro364Leu (NM_001367562.3, NM_001382657.2, NM_001382658.3 and 2 more transcripts); c.1145C>T, p.Pro382Leu (NM_001382655.3); short protein forms P364L, P382L.
Identifiers: ClinVar variation 4685805 (VCV004685805.1).